The following is an entry in ClinVar:

ClinVar aggregate classification (germline): Benign/Likely benign. Review status: criteria provided, multiple submitters, no conflicts (2 of 4 stars). 2 submissions from 2 submitters: Benign (1); Likely benign (1). Last evaluated 2022-05-01.

Allele frequency attached by ClinVar (database versions not stated): 1000 Genomes Project 0.00140; 1000 Genomes Project 30x 0.00172; ESP Exome Variant Server 0.00395; gnomAD 0.00440 and 0.00455; TOPMed 0.00441; gnomAD exomes 0.00458 and 0.00609; ExAC 0.00504.
gnomAD v4.1: 9,504 of 1,613,732 alleles (0.59%); highest among the groups gnomAD compares: Non-Finnish European, 0.71%; 36 homozygotes.

Submissions (2):

CeGaT Center for Human Genetics Tuebingen
Classification: Likely benign. Last evaluated: 2022-05-01. Review status: criteria provided, single submitter. Criteria: CeGaT Center For Human Genetics Tuebingen Variant Classification Criteria Version 2. Collection method: clinical testing. Allele origin: germline. Affected: yes. Observed: 1 variant allele.
Comment: SNAP91: BP4, BP7

Labcorp Genetics (formerly Invitae), Labcorp
Classification: Benign. Last evaluated: 2017-12-20. Review status: criteria provided, single submitter. Criteria: Invitae Variant Classification Sherloc (09022015). Collection method: clinical testing. Allele origin: germline.

NM_001242792.2(SNAP91):c.2508T>C (p.Pro836=)

Gene: SNAP91 (synaptosome associated protein 91; minus strand). Cytogenetic location: 6q14.2.
Variant type: single nucleotide variant.
Coding change: c.2508T>C on transcript NM_001242792.2 (MANE Select); coding-DNA position 2508, T replaced by C.
Protein change: p.Pro836=; no amino-acid change (proline 836 retained).
Molecular consequence: synonymous variant. On other transcripts: non-coding transcript variant (4).
Genome position (GRCh38, 1-based): chr6:83,560,882, A>G on the plus strand (T>C on the coding strand, the complement: SNAP91 is on the minus strand). VCF-style: chr6-83560882-A-G. GRCh37 (hg19) VCF-style: chr6-84270601-A-G.
Other names: c.2418T>C, p.Pro806= (NM_001242793.2, NM_001376708.1, NM_001376709.1 and 2 more transcripts); c.1587T>C, p.Pro529= (NM_001242794.2); c.2235T>C, p.Pro745= (NM_001256717.2); c.2136T>C, p.Pro712= (NM_001256718.2); c.2493T>C, p.Pro831= (NM_001363677.2); c.2502T>C, p.Pro834= (NM_001376675.1, NM_001376676.1, NM_001376677.1 and 5 more transcripts); c.2499T>C, p.Pro833= (NM_001376683.1, NM_001376684.1); c.2487T>C, p.Pro829= (NM_001376685.1, NM_001376686.1, NM_001376687.1 and 6 more transcripts); and 20 more.
Identifiers: ClinVar variation 778343 (VCV000778343.27), dbSNP rs12208676, ClinGen allele CA3908048.